The following is an entry in ClinVar:

ClinVar aggregate classification (germline): Likely benign. Review status: criteria provided, single submitter (1 of 4 stars). 2 submissions from 2 submitters: Likely benign (1). 1 of the submissions does not count toward it. Last evaluated 2025-08-11.

Conditions:
Dyskeratosis congenita, autosomal recessive 6 (DKCB6). Identifiers: MedGen C4225356, MONDO:0014600, OMIM 616353.
Pulmonary fibrosis and/or bone marrow failure, Telomere-related, 4. Also called: PULMONARY FIBROSIS AND/OR BONE MARROW FAILURE SYNDROME, TELOMERE-RELATED, 4. Identifiers: Orphanet 2032, MedGen C4225347, MONDO:0014612, OMIM 616371.
PARN-related disorder. Also called: PARN-related condition; PARN-related disorders.

Allele frequency attached by ClinVar (database versions not stated): gnomAD exomes 0.00001 and 0.00006; ExAC 0.00008; 1000 Genomes Project 30x 0.00016; ESP Exome Variant Server 0.00017; TOPMed 0.00019; 1000 Genomes Project 0.00020; gnomAD 0.00021.
gnomAD v4.1: 50 of 1,604,950 alleles (0.0031%); highest among the groups gnomAD compares: African/African-American, 0.061%; no homozygotes.

Submissions (2):

Labcorp Genetics (formerly Invitae), Labcorp
Classification: Likely benign for Dyskeratosis congenita, autosomal recessive 6; Pulmonary fibrosis and/or bone marrow failure, Telomere-related, 4. Last evaluated: 2025-08-11. Review status: criteria provided, single submitter. Criteria: Invitae Variant Classification Sherloc (09022015). Collection method: clinical testing. Allele origin: germline.

PreventionGenetics, part of Exact Sciences
Classification: Likely benign for PARN-related condition. Last evaluated: 2021-06-23. Review status: no assertion criteria provided. Collection method: clinical testing. Allele origin: germline. Not counted in ClinVar's aggregate classification.
Comment: This variant is classified as likely benign based on ACMG/AMP sequence variant interpretation guidelines (Richards et al. 2015 PMID: 25741868, with internal and published modifications).

NM_002582.4(PARN):c.1413T>C (p.Ile471=)

Gene: PARN (poly(A)-specific ribonuclease; minus strand). Cytogenetic location: 16p13.12.
Variant type: single nucleotide variant.
Coding change: c.1413T>C on transcript NM_002582.4 (MANE Select); coding-DNA position 1413, T replaced by C.
Protein change: p.Ile471=; no amino-acid change (isoleucine 471 retained).
Molecular consequence: synonymous variant.
Genome position (GRCh38, 1-based): chr16:14,552,088, A>G on the plus strand (T>C on the coding strand, the complement: PARN is on the minus strand). VCF-style: chr16-14552088-A-G. GRCh37 (hg19) VCF-style: chr16-14645945-A-G.
Other names: c.1230T>C, p.Ile410= (NM_001134477.3); c.1275T>C, p.Ile425= (NM_001242992.2).
Identifiers: ClinVar variation 730336 (VCV000730336.13), dbSNP rs371869778, ClinGen allele CA7912023.